The following is an entry in ClinVar:

NM_006922.4(SCN3A):c.5359G>A (p.Glu1787Lys)

Gene: SCN3A (sodium voltage-gated channel alpha subunit 3; minus strand). Cytogenetic location: 2q24.3.
Variant type: single nucleotide variant.
Coding change: c.5359G>A on transcript NM_006922.4 (MANE Select); coding-DNA position 5359, G replaced by A.
Protein change: p.Glu1787Lys; replaces glutamic acid 1787 with lysine.
Molecular consequence: missense variant.
Genome position (GRCh38, 1-based): chr2:165,090,794, C>T on the plus strand (G>A on the coding strand, the complement: SCN3A is on the minus strand). VCF-style: chr2-165090794-C-T. GRCh37 (hg19) VCF-style: chr2-165947304-C-T.
Other names: c.5212G>A, p.Glu1738Lys (NM_001081676.2, NM_001081677.2); short protein forms E1738K, E1787K.
Identifiers: ClinVar variation 2814645 (VCV002814645.3), dbSNP rs895057135, ClinGen allele CA349015592.

ClinVar aggregate classification (germline): Uncertain significance (1 of 4 stars; one submission).

Allele frequency attached by ClinVar (database versions not stated): gnomAD exomes below 0.00001.
gnomAD v4.1: 1 of 1,614,110 alleles (0.000062%); highest among the groups gnomAD compares: South Asian, 0.0011%; no homozygotes.

Submission:

Labcorp Genetics (formerly Invitae), Labcorp
Classification: Uncertain significance. Last evaluated: 2023-03-10. Review status: criteria provided, single submitter. Criteria: Invitae Variant Classification Sherloc (09022015). Collection method: clinical testing. Allele origin: germline.
Comment: This variant is not present in population databases (gnomAD no frequency). This sequence change replaces glutamic acid, which is acidic and polar, with lysine, which is basic and polar, at codon 1787 of the SCN3A protein (p.Glu1787Lys). This variant has not been reported in the literature in individuals affected with SCN3A-related conditions. In summary, the available evidence is currently insufficient to determine the role of this variant in disease. Therefore, it has been classified as a Variant of Uncertain Significance. Advanced modeling of protein sequence and biophysical properties (such as structural, functional, and spatial information, amino acid conservation, physicochemical variation, residue mobility, and thermodynamic stability) has been performed at Invitae for this missense variant, however the output from this modeling did not meet the statistical confidence thresholds required to predict the impact of this variant on SCN3A protein function.